The following is an entry in ClinVar:

NM_130837.3(OPA1):c.2319G>A (p.Ala773=)

Gene: OPA1 (OPA1 mitochondrial dynamin like GTPase; plus strand). Cytogenetic location: 3q29.
Variant type: single nucleotide variant.
Coding change: c.2319G>A on transcript NM_130837.3 (MANE Select); coding-DNA position 2319, G replaced by A.
Protein change: p.Ala773=; no amino-acid change (alanine 773 retained).
Molecular consequence: synonymous variant.
Genome position (GRCh38, 1-based): chr3:193,657,220, G>A. VCF-style: chr3-193657220-G-A. GRCh37 (hg19) VCF-style: chr3-193375009-G-A.
Other names: c.2319G>A (NM_130837.2); c.1785G>A, p.Ala595= (NM_001354663.2); c.1782G>A, p.Ala594= (NM_001354664.2); c.2154G>A, p.Ala718= (NM_015560.3); c.2046G>A, p.Ala682= (NM_130831.3); c.2100G>A, p.Ala700= (NM_130832.3); c.2157G>A, p.Ala719= (NM_130833.3); c.2208G>A, p.Ala736= (NM_130834.3); and 2 more.
Identifiers: ClinVar variation 1198877 (VCV001198877.10), dbSNP rs144690080, ClinGen allele CA2759619.

ClinVar aggregate classification (germline): Benign/Likely benign. Review status: criteria provided, multiple submitters, no conflicts (2 of 4 stars). 4 submissions from 4 submitters: Benign (1); Likely benign (3). Last evaluated 2026-01-04.

Conditions:
OPA1-related disorder. Also called: OPA1-related disorders; OPA1-related condition.

Allele frequency attached by ClinVar (database versions not stated): gnomAD exomes below 0.00001 and 0.00002; ExAC 0.00001; TOPMed 0.00004; gnomAD 0.00007; ESP Exome Variant Server 0.00008.
gnomAD v4.1: 37 of 1,613,770 alleles (0.0023%); highest among the groups gnomAD compares: Middle Eastern, 0.016%; no homozygotes.

Submissions (4):

Labcorp Genetics (formerly Invitae), Labcorp
Classification: Benign. Last evaluated: 2026-01-04. Review status: criteria provided, single submitter. Criteria: Invitae Variant Classification Sherloc (09022015). Collection method: clinical testing. Allele origin: germline.

PreventionGenetics, part of Exact Sciences
Classification: Likely benign for OPA1-related condition. Last evaluated: 2025-07-21. Review status: criteria provided, single submitter. Criteria: ACMG Guidelines, 2015. Collection method: clinical testing. Allele origin: germline.
Comment: This variant is classified as likely benign based on ACMG/AMP sequence variant interpretation guidelines (Richards et al. 2015 PMID: 25741868, with internal and published modifications).

Blueprint Genetics
Classification: Likely benign. Last evaluated: 2023-05-31. Review status: criteria provided, single submitter. Criteria: ACMG Guidelines, 2015. Collection method: clinical testing. Allele origin: germline.

GeneDx
Classification: Likely benign. Last evaluated: 2021-03-10. Review status: criteria provided, single submitter. Criteria: GeneDx Variant Classification Process June 2021. Collection method: clinical testing. Allele origin: germline. Affected: yes.